The following is an entry in ClinVar:

ClinVar aggregate classification (germline): Uncertain significance (1 of 4 stars; one submission).

Conditions:
CDON-related disorder. Also called: CDON-related condition.

Submission:

PreventionGenetics, part of Exact Sciences
Classification: Uncertain significance for CDON-related condition. Last evaluated: 2023-04-10. Review status: criteria provided, single submitter. Criteria: ACMG Guidelines, 2015. Collection method: clinical testing. Allele origin: germline.
Comment: The CDON c.403dupA variant is predicted to result in a frameshift and premature protein termination (p.Ser135Lysfs*13). To our knowledge, this variant has not been reported in the literature or in a large population database, indicating this variant is rare. At this time, the clinical significance of this variant is uncertain due to the absence of conclusive functional and genetic evidence.

NM_001378964.1(CDON):c.403dup (p.Ser135fs)

Gene: CDON (cell adhesion associated, oncogene regulated; minus strand). Cytogenetic location: 11q24.2.
Variant type: Duplication.
Coding change: c.403dup on transcript NM_001378964.1 (MANE Select); coding-DNA position 403, one base duplicated (A; older notation c.403dupA).
Protein change: p.Ser135fs; shifts the reading frame from serine 135.
Molecular consequence: frameshift variant.
Genome position (GRCh38, 1-based): chr11:126,019,712, T duplicated on the plus strand (A on the coding strand, the reverse complement: CDON is on the minus strand); the first of 6 consecutive T bases (chr11:126,019,712-126,019,717); duplicating any one gives the same sequence. VCF-style (leftmost placement, unchanged base first): chr11-126019711-C-CT. GRCh37 (hg19) VCF-style: chr11-125889606-C-CT.
Other names: c.398dup, p.Ser135Lysfs (NM_016952.6, NM_001243597.3); c.403dupA (NM_016952.4); short protein forms S135fs.
Identifiers: ClinVar variation 2633618 (VCV002633618.1), dbSNP rs2497251671, ClinGen allele CA2695199044.